The following is an entry in ClinVar:

ClinVar aggregate classification (germline): Uncertain significance (1 of 4 stars; one submission).

gnomAD v4.1: 3 of 1,614,028 alleles (0.00019%); highest among the groups gnomAD compares: Non-Finnish European, 0.00025%; no homozygotes.

Submission:

GeneDx
Classification: Uncertain significance. Last evaluated: 2020-01-02. Review status: criteria provided, single submitter. Criteria: GeneDx Variant Classification Process June 2021. Collection method: clinical testing. Allele origin: germline. Affected: yes.
Comment: Not observed in large population cohorts (Lek et al., 2016); The majority of missense variants in this gene are considered pathogenic (Stenson et al., 2014); In silico analysis, which includes protein predictors and evolutionary conservation, supports that this variant does not alter protein structure/function; Has not been previously published as pathogenic or benign to our knowledge

NM_005555.4(KRT6B):c.1620C>G (p.Ser540Arg)

Gene: KRT6B (keratin 6B; minus strand). Cytogenetic location: 12q13.13.
Variant type: single nucleotide variant.
Coding change: c.1620C>G on transcript NM_005555.4 (MANE Select); coding-DNA position 1620, C replaced by G.
Protein change: p.Ser540Arg; replaces serine 540 with arginine.
Molecular consequence: missense variant.
Genome position (GRCh38, 1-based): chr12:52,447,265, G>C on the plus strand (C>G on the coding strand, the complement: KRT6B is on the minus strand). VCF-style: chr12-52447265-G-C. GRCh37 (hg19) VCF-style: chr12-52841049-G-C.
Other names: short protein forms S540R.
Identifiers: ClinVar variation 1310625 (VCV001310625.2), dbSNP rs1940324908, ClinGen allele CA384980112.
Genomic context (GRCh38, chr12:52,447,265, plus strand): 5'-CTTCCTGCTGGAGGAGGAGGTGGTGGTGTACTTGATGGTGGAACTGCCGCCTCCAACAGA[G>C]CTGAGGCCACCCCCAGTGGCTCTGCCGCTGCTGGAACTAAAGCCGCCTCCAACGCCAAGA-3'
Protein context (NP_005546.2, residues 530-550): SSGRATGGGL[Ser540Arg]SVGGGSSTIK